The following is an entry in ClinVar:

NM_004371.4(COPA):c.3254G>T (p.Cys1085Phe)

Gene: COPA (coat protein complex I subunit alpha; minus strand). Cytogenetic location: 1q23.2.
Variant type: single nucleotide variant.
Coding change: c.3254G>T on transcript NM_004371.4 (MANE Select); coding-DNA position 3254, G replaced by T.
Protein change: p.Cys1085Phe; replaces cysteine 1085 with phenylalanine.
Molecular consequence: missense variant.
Genome position (GRCh38, 1-based): chr1:160,291,823, C>A on the plus strand (G>T on the coding strand, the complement: COPA is on the minus strand). VCF-style: chr1-160291823-C-A. GRCh37 (hg19) VCF-style: chr1-160261613-C-A.
Other names: c.3281G>T, p.Cys1094Phe (NM_001098398.2); short protein forms C1085F, C1094F.
Identifiers: ClinVar variation 3655288 (VCV003655288.2).

ClinVar aggregate classification (germline): Uncertain significance (1 of 4 stars; one submission).

Conditions:
Autoimmune interstitial lung disease-arthritis syndrome. Also called: Autoinflammation and autoimmunity, systemic, with immune dysregulation. Identifiers: Orphanet 444092, MedGen C5975714, MONDO:0014629.

Submission:

Labcorp Genetics (formerly Invitae), Labcorp
Classification: Uncertain significance for Autoimmune interstitial lung disease-arthritis syndrome. Last evaluated: 2024-06-02. Review status: criteria provided, single submitter. Criteria: Invitae Variant Classification Sherloc (09022015). Collection method: clinical testing. Allele origin: germline.
Comment: This sequence change replaces cysteine, which is neutral and slightly polar, with phenylalanine, which is neutral and non-polar, at codon 1085 of the COPA protein (p.Cys1085Phe). This variant is not present in population databases (gnomAD no frequency). This variant has not been reported in the literature in individuals affected with COPA-related conditions. Advanced modeling of protein sequence and biophysical properties (such as structural, functional, and spatial information, amino acid conservation, physicochemical variation, residue mobility, and thermodynamic stability) has been performed at Invitae for this missense variant, however the output from this modeling did not meet the statistical confidence thresholds required to predict the impact of this variant on COPA protein function. In summary, the available evidence is currently insufficient to determine the role of this variant in disease. Therefore, it has been classified as a Variant of Uncertain Significance.